The following is an entry in ClinVar:

NM_004329.3(BMPR1A):c.431G>A (p.Gly144Asp)

Gene: BMPR1A (bone morphogenetic protein receptor type 1A; plus strand). Cytogenetic location: 10q23.2.
Variant type: single nucleotide variant.
Coding change: c.431G>A on transcript NM_004329.3 (MANE Select); coding-DNA position 431, G replaced by A.
Protein change: p.Gly144Asp; replaces glycine 144 with aspartic acid.
Molecular consequence: missense variant.
Genome position (GRCh38, 1-based): chr10:86,900,027, G>A. VCF-style: chr10-86900027-G-A. GRCh37 (hg19) VCF-style: chr10-88659784-G-A.
Other names: c.431G>A, p.Gly144Asp (NM_001406576.1, NM_001406577.1, NM_001406578.1 and 22 more transcripts); c.347G>A, p.Gly116Asp (NM_001406584.1, NM_001406585.1, NM_001406586.1 and 2 more transcripts); short protein forms G144D, G116D.
Identifiers: ClinVar variation 1739688 (VCV001739688.8), dbSNP rs1843285922, ClinGen allele CA377450031.
Genomic context (GRCh38, chr10:86,900,027, plus strand): 5'-TTGAACACGTCAGATTATTTTTTCATTTCAATTGTTTACATTGTTTACTTTTATTGTCAG[G>A]TCCGTTTTTTGATGGCAGCATTCGATGGCTGGTTTTGCTCATTTCTATGGCTGTCTGCAT-3'
Protein context (NP_004320.2, residues 134-154): LQPTLPPVVI[Gly144Asp]PFFDGSIRWL

ClinVar aggregate classification (germline): Uncertain significance. Review status: criteria provided, multiple submitters, no conflicts (2 of 4 stars). 5 submissions from 5 submitters: Uncertain significance (5). Last evaluated 2025-11-03.

Conditions:
Hereditary cancer-predisposing syndrome. Also called: Neoplastic Syndromes, Hereditary; Tumor predisposition; Hereditary Cancer Syndrome; Hereditary neoplastic syndrome. Identifiers: Orphanet 140162, MedGen C0027672, MeSH D009386, MONDO:0015356.
Juvenile polyposis syndrome (JPS). Identifiers: Orphanet 2929, MedGen C0345893, MONDO:0017380, OMIM 174900.

Submissions (5):

Color Diagnostics, LLC DBA Color Health
Classification: Uncertain significance for Hereditary cancer-predisposing syndrome. Last evaluated: 2025-11-03. Review status: criteria provided, single submitter. Criteria: ACMG Guidelines, 2015. Collection method: clinical testing. Allele origin: germline.
Comment: This missense variant replaces glycine with aspartic acid at codon 144 of the BMPR1A protein. Computational prediction suggests that this variant may not impact protein structure and function. To our knowledge, functional studies have not been reported for this variant. This variant has not been reported in individuals affected with BMPR1A-related disorders in the literature. This variant has not been identified in the general population by the Genome Aggregation Database (gnomAD). The available evidence is insufficient to determine the role of this variant in disease conclusively. Therefore, this variant is classified as a Variant of Uncertain Significance.

Labcorp Genetics (formerly Invitae), Labcorp
Classification: Uncertain significance for Juvenile polyposis syndrome. Last evaluated: 2024-12-28. Review status: criteria provided, single submitter. Criteria: Invitae Variant Classification Sherloc (09022015). Collection method: clinical testing. Allele origin: germline.
Comment: This sequence change replaces glycine, which is neutral and non-polar, with aspartic acid, which is acidic and polar, at codon 144 of the BMPR1A protein (p.Gly144Asp). This variant is not present in population databases (gnomAD no frequency). This variant has not been reported in the literature in individuals affected with BMPR1A-related conditions. ClinVar contains an entry for this variant (Variation ID: 1739688). An algorithm developed to predict the effect of missense changes on protein structure and function outputs the following: PolyPhen-2: "Benign". The aspartic acid amino acid residue is found in multiple mammalian species, which suggests that this missense change does not adversely affect protein function. In summary, the available evidence is currently insufficient to determine the role of this variant in disease. Therefore, it has been classified as a Variant of Uncertain Significance.

All of Us Research Program, National Institutes of Health
Classification: Uncertain significance for Juvenile polyposis syndrome. Last evaluated: 2023-08-28. Review status: criteria provided, single submitter. Criteria: ACMG Guidelines, 2015. Collection method: clinical testing. Allele origin: germline. Inheritance: Autosomal dominant inheritance. Observed: 1 variant allele, 1 heterozygote.
Comment: This missense variant replaces glycine with aspartic acid at codon 144 of the BMPR1A protein. Computational prediction suggests that this variant may not impact protein structure and function (internally defined REVEL score threshold <= 0.5, PMID: 27666373). To our knowledge, functional studies have not been reported for this variant. This variant has not been reported in individuals affected with BMPR1A-related disorders in the literature. This variant has not been identified in the general population by the Genome Aggregation Database (gnomAD). The available evidence is insufficient to determine the role of this variant in disease conclusively. Therefore, this variant is classified as a Variant of Uncertain Significance.

This study involves interpretation of variants in research participants for the purpose of population health screening. Participant phenotype was not available at the time of variant classification. Additional details can be found in publication PMID: 35346344, PMCID: PMC8962531

GeneDx
Classification: Uncertain significance. Last evaluated: 2023-04-11. Review status: criteria provided, single submitter. Criteria: GeneDx Variant Classification Process June 2021. Collection method: clinical testing. Allele origin: germline. Affected: yes.
Comment: Not observed at significant frequency in large population cohorts (gnomAD); In silico analysis supports that this missense variant does not alter protein structure/function; Has not been previously published as pathogenic or benign to our knowledge

Ambry Genetics
Classification: Uncertain significance for Hereditary cancer-predisposing syndrome. Last evaluated: 2021-04-26. Review status: criteria provided, single submitter. Criteria: Ambry Variant Classification Scheme 2023. Collection method: clinical testing. Allele origin: germline.
Comment: The p.G144D variant (also known as c.431G>A) is located in coding exon 5 of the BMPR1A gene. The glycine at codon 144 is replaced by aspartic acid, an amino acid with similar properties. This change occurs in the first base pair of coding exon 5. This amino acid position is well conserved in available vertebrate species. In addition, this alteration is predicted to be tolerated by in silico analysis. Since supporting evidence is limited at this time, the clinical significance of this alteration remains unclear.